The following is an entry in ClinVar:

NM_000293.3(PHKB):c.2860A>G (p.Asn954Asp)

Gene: PHKB (phosphorylase kinase regulatory subunit beta; plus strand). Cytogenetic location: 16q12.1.
Variant type: single nucleotide variant.
Coding change: c.2860A>G on transcript NM_000293.3 (MANE Select); coding-DNA position 2860, A replaced by G.
Protein change: p.Asn954Asp; replaces asparagine 954 with aspartic acid.
Molecular consequence: missense variant.
Genome position (GRCh38, 1-based): chr16:47,693,472, A>G. VCF-style: chr16-47693472-A-G. GRCh37 (hg19) VCF-style: chr16-47727383-A-G.
Other names: c.2839A>G, p.Asn947Asp (NM_001031835.3); c.2860A>G, p.Asn954Asp (NM_001363837.1); short protein forms N954D, N947D.
Identifiers: ClinVar variation 444371 (VCV000444371.43), dbSNP rs1164468458, ClinGen allele CA396100672.
Genomic context (GRCh38, chr16:47,693,472, plus strand): 5'-TTGAATAGAACTCCCACCGGGTTCTATGACCGAGTGTGGCAGATTCTGGAGCGCACGCCC[A>G]ATGGGATCATTGTTGCTGGGAAGCATTTGCCTCAGGTAAAGCCCCACCATGTTCACATAA-3'
Protein context (NP_000284.1, residues 944-964): RVWQILERTP[Asn954Asp]GIIVAGKHLP

ClinVar aggregate classification (germline): Likely benign (1 of 4 stars; one submission).

Allele frequency attached by ClinVar (database versions not stated): gnomAD exomes below 0.00001; TOPMed below 0.00001; gnomAD 0.00001.
gnomAD v4.1: 5 of 1,613,964 alleles (0.00031%); highest among the groups gnomAD compares: Non-Finnish European, 0.00017%; no homozygotes.

Submission:

CeGaT Center for Human Genetics Tuebingen
Classification: Likely benign. Last evaluated: 2023-01-01. Review status: criteria provided, single submitter. Criteria: CeGaT Center For Human Genetics Tuebingen Variant Classification Criteria Version 2. Collection method: clinical testing. Allele origin: germline. Affected: yes. Observed: 2 variant alleles.
Comment: PHKB: BP4